The following is an entry in ClinVar:

ClinVar aggregate classification (germline): Pathogenic (1 of 4 stars; one submission).

Conditions:
Congenital lactic acidosis, Saguenay-Lac-Saint-Jean type (MC4DN5). Also called: CYTOCHROME c OXIDASE DEFICIENCY, FRENCH CANADIAN TYPE; COX DEFICIENCY, FRENCH CANADIAN TYPE; MITOCHONDRIAL COMPLEX IV DEFICIENCY, NUCLEAR TYPE 5. Identifiers: Orphanet 70472, MedGen C1857355, MONDO:0009069, OMIM 220111.

Submission:

Myriad Genetics, Inc.
Classification: Pathogenic for Congenital lactic acidosis, Saguenay-Lac-Saint-Jean type. Last evaluated: 2023-11-02. Review status: criteria provided, single submitter. Criteria: Myriad Autosomal Dominant, Autosomal Recessive and X-Linked Classification Criteria (2023). Collection method: clinical testing. Allele origin: unknown.
Comment: NM_133259.3(LRPPRC):c.381delA(R128Vfs*10) is expected to be pathogenic in the context of Leigh syndrome, French-Canadian type. This variant is predicted to lead to an abnormal or absent protein product due to the creation of a premature termination codon in LRPPRC, a gene where loss-of-function variants are known to be pathogenic. Please note: this variant was assessed in the context of healthy population screening.

NM_133259.4(LRPPRC):c.381del (p.Arg128fs)

Gene: LRPPRC (leucine rich pentatricopeptide repeat containing; minus strand). Cytogenetic location: 2p21.
Variant type: Deletion.
Coding change: c.381del on transcript NM_133259.4 (MANE Select); coding-DNA position 381, one base deleted (A; older notation c.381delA).
Protein change: p.Arg128fs; shifts the reading frame from arginine 128.
Molecular consequence: frameshift variant.
Genome position (GRCh38, 1-based): chr2:43,979,914, T deleted on the plus strand (A on the coding strand, the reverse complement: LRPPRC is on the minus strand). VCF-style (leftmost placement, unchanged base first): chr2-43979913-GT-G. GRCh37 (hg19) VCF-style: chr2-44207052-GT-G.
Other names: short protein forms R128fs.
Identifiers: ClinVar variation 5012452 (VCV005012452.1).
Genomic context (GRCh38, chr2:43,979,913, plus strand): 5'-TATGAGCAAATTCTGTTCTCTCTTCAAGCTTTAGTTCAGGCAAGAGAGAACCACAACTAC[GT>G]AGTAGAAGCAAGGCATGACTACCACCTAGGCCACCTGTGGAAAAAAGGTTAATGGATAAC-3'